The following is an entry in ClinVar:

NM_006904.7(PRKDC):c.3568C>A (p.Leu1190Ile)

Gene: PRKDC (protein kinase, DNA-activated, catalytic subunit; minus strand). Cytogenetic location: 8q11.21.
Variant type: single nucleotide variant.
Coding change: c.3568C>A on transcript NM_006904.7 (MANE Select); coding-DNA position 3568, C replaced by A.
Protein change: p.Leu1190Ile; replaces leucine 1190 with isoleucine.
Molecular consequence: missense variant.
Genome position (GRCh38, 1-based): chr8:47,897,191, G>T on the plus strand (C>A on the coding strand, the complement: PRKDC is on the minus strand). VCF-style: chr8-47897191-G-T. GRCh37 (hg19) VCF-style: chr8-48809751-G-T.
Other names: c.3568C>A, p.Leu1190Ile (NM_001081640.2); short protein forms L1190I.
Identifiers: ClinVar variation 1732755 (VCV001732755.2), dbSNP rs34598508, ClinGen allele CA371153396.

ClinVar aggregate classification (germline): Uncertain significance (1 of 4 stars; one submission).

Submission:

Ambry Genetics
Classification: Uncertain significance. Last evaluated: 2021-12-10. Review status: criteria provided, single submitter. Criteria: Ambry Variant Classification Scheme 2023. Collection method: clinical testing. Allele origin: germline.
Comment: The p.L1190I variant (also known as c.3568C>A), located in coding exon 30 of the PRKDC gene, results from a C to A substitution at nucleotide position 3568. The leucine at codon 1190 is replaced by isoleucine, an amino acid with highly similar properties. This amino acid position is conserved. In addition, the in silico prediction for this alteration is inconclusive. Since supporting evidence is limited at this time, the clinical significance of this alteration remains unclear.